The following is an entry in ClinVar:

NM_000204.5(CFI):c.830A>G (p.Gln277Arg)

Gene: CFI (complement factor I; minus strand). Cytogenetic location: 4q25.
Variant type: single nucleotide variant.
Coding change: c.830A>G on transcript NM_000204.5 (MANE Select); coding-DNA position 830, A replaced by G.
Protein change: p.Gln277Arg; replaces glutamine 277 with arginine.
Molecular consequence: missense variant. On other transcripts: non-coding transcript variant (3).
Genome position (GRCh38, 1-based): chr4:109,760,323, T>C on the plus strand (A>G on the coding strand, the complement: CFI is on the minus strand). VCF-style: chr4-109760323-T-C. GRCh37 (hg19) VCF-style: chr4-110681479-T-C.
Other names: c.830A>G, p.Gln277Arg (NM_001318057.2, NM_001331035.2, NM_001375278.1 and 10 more transcripts); c.221A>G, p.Gln74Arg (NM_001375284.1); short protein forms Q277R, Q74R.
Identifiers: ClinVar variation 4280530 (VCV004280530.1).

ClinVar aggregate classification (germline): Uncertain significance (1 of 4 stars; one submission).

Conditions:
CFI-related disorder. Also called: CFI-related condition; CFI-related disorders. Identifiers: MedGen CN239325.

Submission:

Genomenon, Inc
Classification: Uncertain significance for CFI-related disorder. Last evaluated: 2025-09-26. Review status: criteria provided, single submitter. Criteria: Genomenon Sequence Variant Interpretation Standards - Updated. Collection method: curation. Allele origin: germline. Affected: no.
Comment: CFI p.Gln277Arg (c.830A>G) is a missense variant that changes the amino acid at residue 277 from Glutamine to Arginine. To our knowledge, this variant has not been reported in patients affected with CFI-related disorders in the published literature. Functional studies have been reported; however, the significance of the findings remain unclear (PMID:20044478). It is absent or not present at a significant frequency in gnomAD. In conclusion, we classify CFI p.Gln277Arg (c.830A>G) as a variant of unknown significance.

Literature cited by the submitters: PubMed 20044478.